The following is an entry in ClinVar:

NM_001042492.3(NF1):c.3194C>A (p.Thr1065Lys)

Gene: NF1 (neurofibromin 1; plus strand). Cytogenetic location: 17q11.2.
Variant type: single nucleotide variant.
Coding change: c.3194C>A on transcript NM_001042492.3 (MANE Select); coding-DNA position 3194, C replaced by A.
Protein change: p.Thr1065Lys; replaces threonine 1065 with lysine.
Molecular consequence: missense variant.
Genome position (GRCh38, 1-based): chr17:31,230,922, C>A. VCF-style: chr17-31230922-C-A. GRCh37 (hg19) VCF-style: chr17-29557940-C-A.
Other names: c.3194C>A, p.Thr1065Lys (NM_000267.4); short protein forms T1065K.
Identifiers: ClinVar variation 864028 (VCV000864028.7), dbSNP rs2067102897, ClinGen allele CA398988315.

ClinVar aggregate classification (germline): Uncertain significance. Review status: criteria provided, multiple submitters, no conflicts (2 of 4 stars). 2 submissions from 2 submitters: Uncertain significance (2). Last evaluated 2024-11-16.

Conditions:
Hereditary cancer-predisposing syndrome. Also called: Tumor predisposition; Hereditary Cancer Syndrome; Neoplastic Syndromes, Hereditary; Hereditary neoplastic syndrome. Identifiers: Orphanet 140162, MedGen C0027672, MeSH D009386, MONDO:0015356.
Cardiovascular phenotype. Identifiers: MedGen CN230736.
Neurofibromatosis, type 1 (NF1). Also called: Neurofibromatosis, type I; VON RECKLINGHAUSEN DISEASE; Peripheral type neurofibromatosis; NEUROFIBROMATOSIS, TYPE I, SOMATIC. Identifiers: Orphanet 636, MedGen C0027831, MONDO:0018975, OMIM 162200. Disease mechanism: loss of function.

Submissions (2):

Ambry Genetics
Classification: Uncertain significance for Cardiovascular phenotype; Hereditary cancer-predisposing syndrome. Last evaluated: 2024-11-16. Review status: criteria provided, single submitter. Criteria: Ambry Variant Classification Scheme 2023. Collection method: clinical testing. Allele origin: germline.
Comment: The p.T1065K variant (also known as c.3194C>A), located in coding exon 24 of the NF1 gene, results from a C to A substitution at nucleotide position 3194. The threonine at codon 1065 is replaced by lysine, an amino acid with similar properties. This amino acid position is conserved. In addition, the in silico prediction for this alteration is inconclusive. Based on the available evidence, the clinical significance of this variant remains unclear.

Labcorp Genetics (formerly Invitae), Labcorp
Classification: Uncertain significance for Neurofibromatosis, type 1. Last evaluated: 2021-05-13. Review status: criteria provided, single submitter. Criteria: Invitae Variant Classification Sherloc (09022015). Collection method: clinical testing. Allele origin: germline.
Comment: This sequence change replaces threonine with lysine at codon 1065 of the NF1 protein (p.Thr1065Lys). The threonine residue is moderately conserved and there is a moderate physicochemical difference between threonine and lysine. This variant is not present in population databases (ExAC no frequency). This variant has not been reported in the literature in individuals with NF1-related conditions. Algorithms developed to predict the effect of missense changes on protein structure and function are either unavailable or do not agree on the potential impact of this missense change (SIFT: "Tolerated"; PolyPhen-2: "Probably Damaging"; Align-GVGD: "Class C0"). In summary, the available evidence is currently insufficient to determine the role of this variant in disease. Therefore, it has been classified as a Variant of Uncertain Significance.